The following is an entry in ClinVar:

ClinVar aggregate classification (germline): Uncertain significance (0 of 4 stars; one submission).

Submission:

Department of Pathology and Laboratory Medicine, Sinai Health System
Classification: Uncertain significance. Review status: no assertion criteria provided. Collection method: clinical testing. Allele origin: unknown. Affected: yes. Study: The Canadian Open Genetics Repository (COGR).
Comment: The FREM1 p.Phe206Ser variant was not identified in the literature nor was it identified in dbSNP, ClinVar, LOVD 3.0 or in the following control databases: the 1000 Genomes Project, the NHLBI GO Exome Sequencing Project, the Exome Aggregation Consortium (August 8th 2016), or the Genome Aggregation Database (March 6, 2019, v2.1.1). The p.Phe206 residue is conserved in mammals and computational analyses (PolyPhen-2, SIFT, AlignGVGD, BLOSUM, MutationTaster) provide inconsistent predictions regarding the impact to the protein; this information is not very predictive of pathogenicity. The variant occurs outside of the splicing consensus sequence and three of four in silico or computational prediction software programs (SpliceSiteFinder, MaxEntScan, NNSPLICE, GeneSplicer) do not predict a difference in splicing. In summary, based on the above information the clinical significance of this variant cannot be determined with certainty at this time. This variant is classified as a variant of uncertain significance.

NM_001379081.2(FREM1):c.617T>C (p.Phe206Ser)

Gene: FREM1 (FRAS1 related extracellular matrix 1; minus strand). Cytogenetic location: 9p22.3.
Variant type: single nucleotide variant.
Coding change: c.617T>C on transcript NM_001379081.2 (MANE Select); coding-DNA position 617, T replaced by C.
Protein change: p.Phe206Ser; replaces phenylalanine 206 with serine.
Molecular consequence: missense variant. On other transcripts: non-coding transcript variant (4).
Genome position (GRCh38, 1-based): chr9:14,859,197, A>G on the plus strand (T>C on the coding strand, the complement: FREM1 is on the minus strand). VCF-style: chr9-14859197-A-G. GRCh37 (hg19) VCF-style: chr9-14859195-A-G.
Other names: c.617T>C, p.Phe206Ser (NM_001370060.1, NM_001370063.1, NM_001370065.1 and 1 more transcripts); short protein forms F206S.
Identifiers: ClinVar variation 1050362 (VCV001050362.1), dbSNP rs2131557195, ClinGen allele CA372963618.